The following is an entry in ClinVar:

NM_020975.6(RET):c.639C>A (p.Pro213=)

Gene: RET (ret proto-oncogene; plus strand). Cytogenetic location: 10q11.21.
Variant type: single nucleotide variant.
Coding change: c.639C>A on transcript NM_020975.6 (MANE Select); coding-DNA position 639, C replaced by A.
Protein change: p.Pro213=; no amino-acid change (proline 213 retained).
Molecular consequence: synonymous variant. On other transcripts: 5 prime UTR variant (1), intron variant (22).
Genome position (GRCh38, 1-based): chr10:43,104,965, C>A. VCF-style: chr10-43104965-C-A. GRCh37 (hg19) VCF-style: chr10-43600413-C-A.
Other names: c.-124C>A (NM_001355216.2); c.639C>A, p.Pro213= (NM_001406743.1, NM_001406744.1, NM_001406759.1 and 6 more transcripts); c.510C>A, p.Pro170= (NM_001406761.1, NM_001406762.1, NM_001406764.1 and 2 more transcripts); c.351C>A, p.Pro117= (NM_001406766.1, NM_001406767.1, NM_001406770.1); c.625+2336C>A (NM_001406773.1, NM_001406771.1, NM_001406782.1 and 5 more transcripts); c.496+2336C>A (NM_001406786.1, NM_001406783.1); c.338-4066C>A (NM_001406778.1, NM_001406775.1, NM_001406776.1 and 1 more transcripts); c.337+4243C>A (NM_001406790.1, NM_001406788.1, NM_001406789.1 and 1 more transcripts); and 2 more.
Identifiers: ClinVar variation 3387586 (VCV003387586.4).
Genomic context (GRCh38, chr10:43,104,965, plus strand): 5'-GGTCCCGGCTGGTGATCACGCGGGGCCCCTGTCTGCTTGGTGCGCAGGTGAGGGTCTGCC[C>A]TTCCGCTGCGCCCCGGACAGCCTGGAGGTGAGCACGCGCTGGGCCCTGGACCGCGAGCAG-3'
Protein context (NP_066124.1, residues 203-223): AYRLLEGEGL[Pro213=]FRCAPDSLEV

ClinVar aggregate classification (germline): Likely benign. Review status: criteria provided, multiple submitters, no conflicts (2 of 4 stars). 3 submissions from 3 submitters: Likely benign (3). Last evaluated 2025-07-05.

Conditions:
Hereditary cancer-predisposing syndrome. Also called: Neoplastic Syndromes, Hereditary; Hereditary Cancer Syndrome; Tumor predisposition; Hereditary neoplastic syndrome. Identifiers: Orphanet 140162, MedGen C0027672, MeSH D009386, MONDO:0015356.
Multiple endocrine neoplasia, type 2 (MEN2). Identifiers: Orphanet 653, MedGen C4048306, MONDO:0019003. Disease mechanism: gain of function.

gnomAD v4.1: 1 of 1,569,294 alleles (0.000064%); highest among the groups gnomAD compares: Non-Finnish European, 0.000086%; no homozygotes.

Submissions (3):

Ambry Genetics
Classification: Likely benign for Hereditary cancer-predisposing syndrome. Last evaluated: 2025-07-05. Review status: criteria provided, single submitter. Criteria: Ambry Variant Classification Scheme 2023. Collection method: clinical testing. Allele origin: germline.

All of Us Research Program, National Institutes of Health
Classification: Likely benign for Multiple endocrine neoplasia, type 2. Last evaluated: 2024-08-13. Review status: criteria provided, single submitter. Criteria: ACMG Guidelines, 2015. Collection method: clinical testing. Allele origin: germline. Inheritance: Autosomal dominant inheritance. Observed: 1 variant allele, 1 heterozygote.
Comment: This study involves interpretation of variants in research participants for the purpose of population health screening. Participant phenotype was not available at the time of variant classification. Additional details can be found in publication PMID: 35346344, PMCID: PMC8962531

Labcorp Genetics (formerly Invitae), Labcorp
Classification: Likely benign for Multiple endocrine neoplasia, type 2. Last evaluated: 2024-05-05. Review status: criteria provided, single submitter. Criteria: Invitae Variant Classification Sherloc (09022015). Collection method: clinical testing. Allele origin: germline.